The following is an entry in ClinVar:

ClinVar aggregate classification (germline): Pathogenic/Likely pathogenic. Review status: criteria provided, multiple submitters, no conflicts (2 of 4 stars). 2 submissions from 2 submitters: Pathogenic (1); Likely pathogenic (1). Last evaluated 2026-02-20.

Submissions (2):

GeneDx
Classification: Likely pathogenic. Last evaluated: 2026-02-20. Review status: criteria provided, single submitter. Criteria: GeneDx Variant Classification Process June 2021. Collection method: clinical testing. Allele origin: germline.
Comment: Nonsense variant predicted to result in protein truncation or nonsense mediated decay in a gene for which loss of function is a known mechanism of disease; Not observed at significant frequency in large population cohorts (gnomAD); Has not been previously published as pathogenic or benign to our knowledge

Labcorp Genetics (formerly Invitae), Labcorp
Classification: Pathogenic. Last evaluated: 2023-12-14. Review status: criteria provided, single submitter. Criteria: Invitae Variant Classification Sherloc (09022015). Collection method: clinical testing. Allele origin: germline.
Comment: This sequence change creates a premature translational stop signal (p.Glu6*) in the TBCD gene. It is expected to result in an absent or disrupted protein product. Loss-of-function variants in TBCD are known to be pathogenic (PMID: 27666370, 27666374). This variant is not present in population databases (gnomAD no frequency). This variant has not been reported in the literature in individuals affected with TBCD-related conditions. For these reasons, this variant has been classified as Pathogenic.

Literature cited by the submitters: PubMed 27666370 (cited by Labcorp Genetics (formerly Invitae), Labcorp); PubMed 27666374 (cited by Labcorp Genetics (formerly Invitae), Labcorp).

NM_005993.5(TBCD):c.16G>T (p.Glu6Ter)

Gene: TBCD (tubulin folding cofactor D). Cytogenetic location: 17q25.3.
Variant type: single nucleotide variant.
Coding change: c.16G>T on transcript NM_005993.5 (MANE Select); coding-DNA position 16, G replaced by T.
Protein change: p.Glu6Ter; replaces glutamic acid 6 with a stop codon.
Molecular consequence: nonsense.
Genome position (GRCh38, 1-based): chr17:82,752,209, G>T. VCF-style: chr17-82752209-G-T. GRCh37 (hg19) VCF-style: chr17-80710085-G-T.
Other names: c.16G>T, p.Glu6Ter (NM_001411101.1, NM_001411102.1); c.16G>T (NM_005993.4); short protein forms E6*.
Identifiers: ClinVar variation 2716645 (VCV002716645.4), dbSNP rs1010575243, ClinGen allele CA295248404.